The following is an entry in ClinVar:

ClinVar aggregate classification (germline): Likely benign (1 of 4 stars; one submission).

Conditions:
FHOD3-related disorder. Also called: FHOD3-related condition.

gnomAD v4.1: 96 of 1,572,560 alleles (0.0061%); highest among the groups gnomAD compares: Non-Finnish European, 0.0074%; no homozygotes.

Submission:

PreventionGenetics, part of Exact Sciences
Classification: Likely benign for FHOD3-related condition. Last evaluated: 2025-12-16. Review status: criteria provided, single submitter. Criteria: ACMG Guidelines, 2015. Collection method: clinical testing. Allele origin: germline.
Comment: This variant is classified as likely benign based on ACMG/AMP sequence variant interpretation guidelines (Richards et al. 2015 PMID: 25741868, with internal and published modifications).

NM_001281740.3(FHOD3):c.2544C>T (p.Pro848=)

Gene: FHOD3 (formin homology 2 domain containing 3; plus strand). Cytogenetic location: 18q12.2.
Variant type: single nucleotide variant.
Coding change: c.2544C>T on transcript NM_001281740.3 (MANE Select); coding-DNA position 2544, C replaced by T.
Protein change: p.Pro848=; no amino-acid change (proline 848 retained).
Molecular consequence: synonymous variant.
Genome position (GRCh38, 1-based): chr18:36,717,842, C>T. VCF-style: chr18-36717842-C-T. GRCh37 (hg19) VCF-style: chr18-34297805-C-T.
Other names: c.1968C>T, p.Pro656= (NM_001281739.3); c.2019C>T, p.Pro673= (NM_025135.5).
Identifiers: ClinVar variation 4984604 (VCV004984604.1).
Genomic context (GRCh38, chr18:36,717,842, plus strand): 5'-AGTGAGGCCCCCTTGCCCCTTTCTCATTTTTCTCTCCCATGTACTTTCAGGTTTGTGGCC[C>T]GCAGGTGTCCAGGATGCAGGTGTAAATGGACAGTGTGGCGACATCCTCACCAACAAACGG-3'
Protein context (NP_001268669.1, residues 838-858): LSRDRTTGLW[Pro848=]AGVQDAGVNG